The following is an entry in ClinVar:

ClinVar aggregate classification (germline): Uncertain significance (1 of 4 stars; one submission).

Conditions:
Epiphyseal dysplasia, multiple, 3 (EDM3). Also called: COL9A3-Related Multiple Epiphyseal Dysplasia; Epiphyseal dysplasia, multiple, 3, with or without myopathy. Identifiers: MedGen C1832998, MONDO:0010964, OMIM 600969.
Stickler syndrome, type 6. Also called: Stickler syndrome, type VI; Stickler syndrome, IIa 6. Identifiers: MedGen C5774207, MONDO:0031047, OMIM 620022.
Intervertebral disc disorder (IDD). Also called: Lumbar disk degenerative disorder; INTERVERTEBRAL DISC DISEASE. Identifiers: MedGen C0158252, MONDO:0044339, OMIM 603932.
Deafness. Identifiers: MedGen C0011053.

gnomAD v4.1: 2 of 1,613,532 alleles (0.00012%); highest among the groups gnomAD compares: Non-Finnish European, 0.00017%; no homozygotes.

Submission:

Labcorp Genetics (formerly Invitae), Labcorp
Classification: Uncertain significance. Last evaluated: 2025-03-22. Review status: criteria provided, single submitter. Criteria: Invitae Variant Classification Sherloc (09022015). Collection method: clinical testing. Allele origin: germline.
Comment: This sequence change replaces serine, which is neutral and polar, with arginine, which is basic and polar, at codon 521 of the COL9A3 protein (p.Ser521Arg). This variant is not present in population databases (gnomAD no frequency). This variant has not been reported in the literature in individuals affected with COL9A3-related conditions. ClinVar contains an entry for this variant (Variation ID: 1466406). Invitae Evidence Modeling of protein sequence and biophysical properties (such as structural, functional, and spatial information, amino acid conservation, physicochemical variation, residue mobility, and thermodynamic stability) indicates that this missense variant is not expected to disrupt COL9A3 protein function with a negative predictive value of 95%. Algorithms developed to predict the effect of sequence changes on RNA splicing suggest that this variant may disrupt the consensus splice site. In summary, the available evidence is currently insufficient to determine the role of this variant in disease. Therefore, it has been classified as a Variant of Uncertain Significance.

NM_001853.4(COL9A3):c.1563C>A (p.Ser521Arg)

Genes: COL9A3 (collagen type IX alpha 3 chain; plus strand), LOC126863084 (MED14-independent group 3 enhancer GRCh37_chr20:61467141-61468340; plus strand). Cytogenetic location: 20q13.33.
Variant type: single nucleotide variant.
Coding change: c.1563C>A on transcript NM_001853.4 (MANE Select); coding-DNA position 1563, C replaced by A.
Protein change: p.Ser521Arg; replaces serine 521 with arginine.
Molecular consequence: missense variant.
Genome position (GRCh38, 1-based): chr20:62,836,492, C>A. VCF-style: chr20-62836492-C-A. GRCh37 (hg19) VCF-style: chr20-61467844-C-A.
Other names: c.1563C>A (NM_001853.3); short protein forms S521R.
Identifiers: ClinVar variation 1466406 (VCV001466406.7), dbSNP rs144292707, ClinGen allele CA409598486.